The following is an entry in ClinVar:

NM_001395413.1(POR):c.1208G>A (p.Arg403His)

Gene: POR (cytochrome p450 oxidoreductase; plus strand). Cytogenetic location: 7q11.23.
Variant type: single nucleotide variant.
Coding change: c.1208G>A on transcript NM_001395413.1 (MANE Select); coding-DNA position 1208, G replaced by A.
Protein change: p.Arg403His; replaces arginine 403 with histidine.
Molecular consequence: missense variant.
Genome position (GRCh38, 1-based): chr7:75,984,927, G>A. VCF-style: chr7-75984927-G-A. GRCh37 (hg19) VCF-style: chr7-75614245-G-A.
Other names: c.1208G>A, p.Arg403His (NM_001367562.3, NM_001382657.2, NM_001382658.3 and 2 more transcripts); c.1262G>A, p.Arg421His (NM_001382655.3); short protein forms R403H, R421H.
Identifiers: ClinVar variation 911635 (VCV000911635.22), dbSNP rs72557929, ClinGen allele CA4304027.
Genomic context (GRCh38, chr7:75,984,927, plus strand): 5'-CCAACGTGCTGTACGAGCTGGCGCAGTACGCCTCGGAGCCCTCGGAGCAGGAGCTGCTGC[G>A]CAAGATGGCCTCCTCCTCCGGCGAGGGCAAGGTGCGCCCCCTCAGCCCCCGCAACCTCCG-3'
Protein context (NP_001382342.1, residues 393-413): ASEPSEQELL[Arg403His]KMASSSGEGK

ClinVar aggregate classification (germline): Uncertain significance. Review status: criteria provided, multiple submitters, no conflicts (2 of 4 stars). 6 submissions from 6 submitters: Uncertain significance (6). Last evaluated 2024-11-22.

Conditions:
Congenital adrenal hyperplasia due to cytochrome P450 oxidoreductase deficiency. Also called: DISORDERED STEROIDOGENESIS DUE TO POR DEFICIENCY. Identifiers: Orphanet 95699, MedGen C1860042, MONDO:0013310, OMIM 613571.
Antley-Bixler syndrome without genital anomalies or disordered steroidogenesis (ABS2). Also called: Antley-Bixler Syndrome, Autosomal Dominant; MULTISYNOSTOTIC OSTEODYSGENESIS WITH LONG BONE FRACTURES; Trapezoidocephaly synostosis syndrome; Osteodysgenesis, multisynostotic with fractures. Identifiers: Orphanet 596008, Orphanet 83, MedGen C2936791, MONDO:0020667, OMIM 207410.
Antley-Bixler syndrome with genital anomalies and disordered steroidogenesis (ABS1). Also called: POR Deficiency. Identifiers: Orphanet 63269, MedGen C3150099, MONDO:0008726, OMIM 201750.

Allele frequency attached by ClinVar (database versions not stated): ExAC 0.00008; gnomAD exomes 0.00010; gnomAD 0.00015 and 0.00016; TOPMed 0.00017; ESP Exome Variant Server 0.00031.
gnomAD v4.1: 298 of 1,602,474 alleles (0.019%); highest among the groups gnomAD compares: African/African-American, 0.021%; 1 homozygote.

Submissions (6):

Blueprint Genetics
Classification: Uncertain significance. Last evaluated: 2024-11-22. Review status: criteria provided, single submitter. Criteria: ACMG Guidelines, 2015. Collection method: clinical testing. Allele origin: germline.

Labcorp Genetics (formerly Invitae), Labcorp
Classification: Uncertain significance for Congenital adrenal hyperplasia due to cytochrome P450 oxidoreductase deficiency. Last evaluated: 2024-10-14. Review status: criteria provided, single submitter. Criteria: Invitae Variant Classification Sherloc (09022015). Collection method: clinical testing. Allele origin: germline.
Comment: This sequence change replaces arginine, which is basic and polar, with histidine, which is basic and polar, at codon 406 of the POR protein (p.Arg406His). This variant is present in population databases (rs72557929, gnomAD 0.02%). This variant has not been reported in the literature in individuals affected with POR-related conditions. ClinVar contains an entry for this variant (Variation ID: 911635). Invitae Evidence Modeling of protein sequence and biophysical properties (such as structural, functional, and spatial information, amino acid conservation, physicochemical variation, residue mobility, and thermodynamic stability) indicates that this missense variant is not expected to disrupt POR protein function with a negative predictive value of 80%. Experimental studies are conflicting or provide insufficient evidence to determine the effect of this variant on POR function (PMID: 18230729, 18551037). In summary, the available evidence is currently insufficient to determine the role of this variant in disease. Therefore, it has been classified as a Variant of Uncertain Significance.

ARUP Laboratories, Molecular Genetics and Genomics, ARUP Laboratories
Classification: Uncertain significance. Last evaluated: 2024-03-19. Review status: criteria provided, single submitter. Criteria: ARUP Molecular Germline Variant Investigation Process 2024. Collection method: clinical testing. Allele origin: germline.
Comment: The POR c.1217G>A; p.Arg406His variant (rs72557929) is reported in the literature in a cohort of healthy individuals (Huang 2008). This variant is found in the general population with an overall allele frequency of 0.012% (32/275012 alleles) in the Genome Aggregation Database (v2.1.1). Computational analyses are uncertain whether this variant is neutral or deleterious (REVEL: 0.184). Functional analyses suggest the p.Arg406His variant protein supports normal activity of partner proteins but exhibits slightly reduced POR enzymatic activity (Agrawal 2008, Huang 2008), though it is unknown if this slight reduction is clinically significant. Due to limited information, the clinical significance of the p.Arg406His variant is uncertain at this time. References: Agrawal et al. Pharmacogenetics of P450 oxidoreductase: effect of sequence variants on activities of CYP1A2 and CYP2C19. Pharmacogenet Genomics. 2008 Jul;18(7):569-76. PMID: 18551037. Huang et al. Genetics of P450 oxidoreductase: sequence variation in 842 individuals of four ethnicities and activities of 15 missense mutations. Proc Natl Acad Sci U S A. 2008 Feb 5;105(5):1733-8. PMID: 18230729.

Fulgent Genetics
Classification: Uncertain significance for Antley-Bixler syndrome with genital anomalies and disordered steroidogenesis; Antley-Bixler syndrome without genital anomalies or disordered steroidogenesis; Congenital adrenal hyperplasia due to cytochrome P450 oxidoreductase deficiency. Last evaluated: 2022-02-18. Review status: criteria provided, single submitter. Criteria: ACMG Guidelines, 2015. Collection method: clinical testing. Allele origin: unknown.

GeneDx
Classification: Uncertain significance. Last evaluated: 2021-01-26. Review status: criteria provided, single submitter. Criteria: GeneDx Variant Classification Process June 2021. Collection method: clinical testing. Allele origin: germline. Affected: yes.
Comment: In silico analysis, which includes protein predictors and evolutionary conservation, supports a deleterious effect; Not reported as pathogenic or benign in association with a disease to our our knowledge. However, identified in a healthy population and functional studies demonstrate a moderate reduction in protein activities in multiple enzymatic assays (Huang et al., 2008; Agrawal et al., 2008); This variant is associated with the following publications: (PMID: 27068427, 25133307, 18433346, 24847272, 23353702, 18930113, 18551037, 18230729)

Illumina Laboratory Services, Illumina
Classification: Uncertain significance for Congenital adrenal hyperplasia due to cytochrome P450 oxidoreductase deficiency. Last evaluated: 2017-04-27. Review status: criteria provided, single submitter. Criteria: ICSL Variant Classification Criteria 13 December 2019. Collection method: clinical testing. Allele origin: germline.
Comment: This variant was observed as part of a predisposition screen in an ostensibly healthy population. A literature search was performed for the gene, cDNA change, and amino acid change (where applicable). Publications were found based on this search. However, the evidence from the literature, in combination with allele frequency data from public databases where available, was not sufficient to rule this variant in or out of causing disease. Therefore, this variant is classified as a variant of unknown significance.

Literature cited by the submitters: PubMed 18230729 (cited by Labcorp Genetics (formerly Invitae), Labcorp and Illumina Laboratory Services, Illumina); PubMed 18551037 (cited by Labcorp Genetics (formerly Invitae), Labcorp).